The following is an entry in ClinVar:

NM_000352.6(ABCC8):c.4273del (p.Leu1425fs)

Gene: ABCC8 (ATP binding cassette subfamily C member 8; minus strand). Cytogenetic location: 11p15.1.
Variant type: Deletion.
Coding change: c.4273del on transcript NM_000352.6 (MANE Select); coding-DNA position 4273, one base deleted (C; older notation c.4273delC).
Protein change: p.Leu1425fs; shifts the reading frame from leucine 1425.
Molecular consequence: frameshift variant. On other transcripts: non-coding transcript variant (1).
Genome position (GRCh38, 1-based): chr11:17,395,644, G deleted on the plus strand (C on the coding strand, the reverse complement: ABCC8 is on the minus strand); the first of 2 consecutive G bases (chr11:17,395,644-17,395,645); deleting either gives the same sequence. VCF-style (leftmost placement, unchanged base first): chr11-17395643-AG-A. GRCh37 (hg19) VCF-style: chr11-17417190-AG-A.
Other names: c.4276del, p.Leu1426fs (NM_001287174.3); c.4339del, p.Leu1447fs (NM_001351295.2); c.4273del, p.Leu1425fs (NM_001351296.2); c.4270del, p.Leu1424fs (NM_001351297.2); short protein forms L1447fs, L1424fs, L1425fs, L1426fs.
Identifiers: ClinVar variation 2755723 (VCV002755723.3), dbSNP rs2496450170, ClinGen allele CA2612638731.
Genomic context (GRCh38, chr11:17,395,643, plus strand): 5'-GTGGGCCTGAGGGGTGGTGGGGCTCACCGGATGGTGCCGCTGAAGAGGACGGGGTCCTGC[AG>A]GATGATGGAGAGGCGTGAGCGCAGGGTGTGCAGCGGCAGTTTGGCGATGTCAATGCCATC-3'

ClinVar aggregate classification (germline): Pathogenic (1 of 4 stars; one submission).

Submission:

Labcorp Genetics (formerly Invitae), Labcorp
Classification: Pathogenic. Last evaluated: 2023-06-01. Review status: criteria provided, single submitter. Criteria: Invitae Variant Classification Sherloc (09022015). Collection method: clinical testing. Allele origin: germline.
Comment: For these reasons, this variant has been classified as Pathogenic. This variant has not been reported in the literature in individuals affected with ABCC8-related conditions. This variant is not present in population databases (gnomAD no frequency). This sequence change creates a premature translational stop signal (p.Leu1425Cysfs*35) in the ABCC8 gene. It is expected to result in an absent or disrupted protein product. Loss-of-function variants in ABCC8 are known to be pathogenic (PMID: 20685672, 23345197).

Literature cited by the submitters: PubMed 20685672; PubMed 23345197.